The following is an entry in ClinVar:

NM_001130987.2(DYSF):c.1553C>T (p.Ser518Phe)

Gene: DYSF (dysferlin; plus strand). Cytogenetic location: 2p13.2.
Variant type: single nucleotide variant.
Coding change: c.1553C>T on transcript NM_001130987.2 (MANE Select); coding-DNA position 1553, C replaced by T.
Protein change: p.Ser518Phe; replaces serine 518 with phenylalanine.
Molecular consequence: missense variant.
Genome position (GRCh38, 1-based): chr2:71,539,216, C>T. VCF-style: chr2-71539216-C-T. GRCh37 (hg19) VCF-style: chr2-71766346-C-T.
Other names: c.1460C>T, p.Ser487Phe (NM_001130455.2, NM_001130983.2, NM_001130984.2 and 1 more transcripts); c.1457C>T, p.Ser486Phe (NM_001130976.2, NM_001130977.2, NM_001130978.2 and 1 more transcripts); c.1550C>T, p.Ser517Phe (NM_001130979.2, NM_001130980.2, NM_001130981.2); c.1553C>T, p.Ser518Phe (NM_001130982.2, NM_001130985.2); short protein forms S518F, S486F, S517F, S487F.
Identifiers: ClinVar variation 2139766 (VCV002139766.1), dbSNP rs758550124, ClinGen allele CA1705808.

ClinVar aggregate classification (germline): Uncertain significance (1 of 4 stars; one submission).

Conditions:
Neuromuscular disease caused by qualitative or quantitative defects of dysferlin. Also called: Qualitative or quantitative defects of dysferlin; Dysferlinopathy. Identifiers: Orphanet 207073, MedGen C2931687, MONDO:0016145.

Allele frequency attached by ClinVar (database versions not stated): ExAC 0.00001.
gnomAD v4.1: 3 of 1,614,160 alleles (0.00019%); highest among the groups gnomAD compares: Admixed American, 0.005%; no homozygotes.

Submission:

Labcorp Genetics (formerly Invitae), Labcorp
Classification: Uncertain significance for Neuromuscular disease caused by qualitative or quantitative defects of dysferlin. Last evaluated: 2022-08-15. Review status: criteria provided, single submitter. Criteria: Invitae Variant Classification Sherloc (09022015). Collection method: clinical testing. Allele origin: germline.
Comment: This sequence change replaces serine, which is neutral and polar, with phenylalanine, which is neutral and non-polar, at codon 486 of the DYSF protein (p.Ser486Phe). This variant is present in population databases (rs758550124, gnomAD 0.006%). This missense change has been observed in individual(s) with limb-girdle muscular dystrophy (Invitae). Algorithms developed to predict the effect of missense changes on protein structure and function are either unavailable or do not agree on the potential impact of this missense change (SIFT: "Deleterious"; PolyPhen-2: "Probably Damaging"; Align-GVGD: "Class C0"). In summary, the available evidence is currently insufficient to determine the role of this variant in disease. Therefore, it has been classified as a Variant of Uncertain Significance.